The following is an entry in ClinVar:

ClinVar aggregate classification (germline): Uncertain significance (1 of 4 stars; one submission).

Submission:

Labcorp Genetics (formerly Invitae), Labcorp
Classification: Uncertain significance. Last evaluated: 2022-07-25. Review status: criteria provided, single submitter. Criteria: Invitae Variant Classification Sherloc (09022015). Collection method: clinical testing. Allele origin: germline.
Comment: In summary, the available evidence is currently insufficient to determine the role of this variant in disease. Therefore, it has been classified as a Variant of Uncertain Significance. This sequence change falls in intron 35 of the COL18A1 gene. It does not directly change the encoded amino acid sequence of the COL18A1 protein. Information on the frequency of this variant in the gnomAD database is not available, as this variant may be reported differently in the database. This variant has not been reported in the literature in individuals affected with COL18A1-related conditions. Experimental studies and prediction algorithms are not available or were not evaluated, and the effect of this variant on mRNA splicing is currently unknown.

NM_001379500.1(COL18A1):c.3014-20_3014-19delinsTT

Genes: COL18A1 (collagen type XVIII alpha 1 chain; plus strand), SLC19A1 (solute carrier family 19 member 1; minus strand). Cytogenetic location: 21q22.3.
Variant type: Indel.
Coding change: c.3014-20_3014-19delinsTT on transcript NM_001379500.1 (MANE Select); 20 bases into the intron before coding-DNA position 3014 through 19 bases into the intron before coding-DNA position 3014, CC replaced by TT.
Molecular consequence: intron variant.
Genome position (GRCh38, 1-based): chr21:45,505,338-45,505,339, CC replaced by TT. VCF-style: chr21-45505338-CC-TT. GRCh37 (hg19) VCF-style: chr21-46925252-CC-TT.
Other names: c.4259-20_4259-19delinsTT (NM_130444.3); c.3554-20_3554-19delinsTT (NM_030582.4).
Identifiers: ClinVar variation 1923382 (VCV001923382.5), dbSNP rs2517793969, ClinGen allele CA2580098866.
Genomic context (GRCh38, chr21:45,505,338, plus strand): 5'-AGTAAGTCAGTGGGGAGTGGGCCCCGGGCAGAGGCCGCCTCGTGTGGCTTCGTGTTCCCA[CC>TT]TTGGTTTCTCTCCTGCAGCTATCAGCGTTCCCGGCCCTCCGGGCCCCCCTGGGCCCCCTG-3'